The following is an entry in ClinVar:

NM_002547.3(OPHN1):c.952C>G (p.Leu318Val)

Gene: OPHN1 (oligophrenin 1; minus strand). Cytogenetic location: Xq12.
Variant type: single nucleotide variant.
Coding change: c.952C>G on transcript NM_002547.3 (MANE Select); coding-DNA position 952, C replaced by G.
Protein change: p.Leu318Val; replaces leucine 318 with valine.
Molecular consequence: missense variant.
Genome position (GRCh38, 1-based): chrX:68,201,692, G>C on the plus strand (C>G on the coding strand, the complement: OPHN1 is on the minus strand). VCF-style: chrX-68201692-G-C. GRCh37 (hg19) VCF-style: chrX-67421534-G-C.
Other names: short protein forms L318V.
Identifiers: ClinVar variation 2429539 (VCV002429539.1), dbSNP rs2077535961, ClinGen allele CA413433444.
Genomic context (GRCh38, chrX:68,201,692, plus strand): 5'-CTATGTCAAAACAGAACCTCTTGTCGATAGACTCCGTCTTCCTTCTCACACAGTACTTCA[G>C]TGTTAAGTCCAAGGGCCCCTGATATGAAACAAGAATTAACAGGCAATTTTTAAAAAAAGA-3'
Protein context (NP_002538.1, residues 308-328): GAKQGPLDLT[Leu318Val]KYCVRRKTES

ClinVar aggregate classification (germline): Uncertain significance (1 of 4 stars; one submission).

Allele frequency attached by ClinVar (database versions not stated): gnomAD 0.00001; TOPMed 0.00001.

Submission:

GeneDx
Classification: Uncertain significance. Last evaluated: 2022-08-08. Review status: criteria provided, single submitter. Criteria: GeneDx Variant Classification Process June 2021. Collection method: clinical testing. Allele origin: germline. Affected: yes.
Comment: Not observed at significant frequency in large population cohorts (gnomAD); In silico analysis supports that this missense variant does not alter protein structure/function; Has not been previously published as pathogenic or benign to our knowledge